The following is an entry in ClinVar:

ClinVar aggregate classification (germline): Uncertain significance (1 of 4 stars; one submission).

Submission:

CeGaT Center for Human Genetics Tuebingen
Classification: Uncertain significance. Last evaluated: 2025-07-01. Review status: criteria provided, single submitter. Criteria: CeGaT Center For Human Genetics Tuebingen Variant Classification Criteria Version 2. Collection method: clinical testing. Allele origin: germline. Affected: yes. Observed: 1 variant allele.
Comment: DOT1L: PM2

NM_032482.3(DOT1L):c.2123G>A (p.Ser708Asn)

Gene: DOT1L (DOT1 like histone lysine methyltransferase; plus strand). Cytogenetic location: 19p13.3.
Variant type: single nucleotide variant.
Coding change: c.2123G>A on transcript NM_032482.3 (MANE Select); coding-DNA position 2123, G replaced by A.
Protein change: p.Ser708Asn; replaces serine 708 with asparagine.
Molecular consequence: missense variant.
Genome position (GRCh38, 1-based): chr19:2,216,480, G>A. VCF-style: chr19-2216480-G-A. GRCh37 (hg19) VCF-style: chr19-2216479-G-A.
Other names: c.2123G>A, p.Ser708Asn (NM_001411141.1); short protein forms S708N.
Identifiers: ClinVar variation 4085385 (VCV004085385.8).